The following is an entry in ClinVar:

ClinVar aggregate classification (germline): Uncertain significance (1 of 4 stars; one submission).

Allele frequency attached by ClinVar (database versions not stated): gnomAD exomes below 0.00001.
gnomAD v4.1: 1 of 1,613,832 alleles (0.000062%); highest among the groups gnomAD compares: Non-Finnish European, 0.000085%; no homozygotes.

Submission:

Labcorp Genetics (formerly Invitae), Labcorp
Classification: Uncertain significance. Last evaluated: 2023-05-23. Review status: criteria provided, single submitter. Criteria: Invitae Variant Classification Sherloc (09022015). Collection method: clinical testing. Allele origin: germline.
Comment: In summary, the available evidence is currently insufficient to determine the role of this variant in disease. Therefore, it has been classified as a Variant of Uncertain Significance. Algorithms developed to predict the effect of sequence changes on RNA splicing suggest that this variant may create or strengthen a splice site. This variant has not been reported in the literature in individuals affected with POLD2-related conditions. This variant is not present in population databases (gnomAD no frequency). This sequence change falls in intron 3 of the POLD2 gene. It does not directly change the encoded amino acid sequence of the POLD2 protein.

NM_006230.4(POLD2):c.343-12T>C

Gene: POLD2 (DNA polymerase delta 2, accessory subunit; minus strand). Cytogenetic location: 7p13.
Variant type: single nucleotide variant.
Coding change: c.343-12T>C on transcript NM_006230.4 (MANE Select); 12 bases into the intron before coding-DNA position 343, T replaced by C.
Molecular consequence: intron variant.
Genome position (GRCh38, 1-based): chr7:44,117,754, A>G on the plus strand (T>C on the coding strand, the complement: POLD2 is on the minus strand). VCF-style: chr7-44117754-A-G. GRCh37 (hg19) VCF-style: chr7-44157353-A-G.
Other names: c.343-12T>C (NM_001127218.3, NM_001256879.2).
Identifiers: ClinVar variation 2693720 (VCV002693720.3), dbSNP rs2484394427, ClinGen allele CA2682598657.